The following is an entry in ClinVar:

NM_032043.3(BRIP1):c.1962C>T (p.Gly654=)

Gene: BRIP1 (BRCA1 interacting DNA helicase 1; minus strand). Cytogenetic location: 17q23.2.
Variant type: single nucleotide variant.
Coding change: c.1962C>T on transcript NM_032043.3 (MANE Select); coding-DNA position 1962, C replaced by T.
Protein change: p.Gly654=; no amino-acid change (glycine 654 retained).
Molecular consequence: synonymous variant.
Genome position (GRCh38, 1-based): chr17:61,776,536, G>A on the plus strand (C>T on the coding strand, the complement: BRIP1 is on the minus strand). VCF-style: chr17-61776536-G-A. GRCh37 (hg19) VCF-style: chr17-59853897-G-A.
Identifiers: ClinVar variation 185025 (VCV000185025.11), dbSNP rs786201877, ClinGen allele CA190810.

ClinVar aggregate classification (germline): Benign/Likely benign. Review status: criteria provided, multiple submitters, no conflicts (2 of 4 stars). 3 submissions from 3 submitters: Benign (1); Likely benign (2). Last evaluated 2024-08-30.

Conditions:
Hereditary cancer-predisposing syndrome. Also called: Tumor predisposition; Hereditary Cancer Syndrome; Hereditary neoplastic syndrome; Neoplastic Syndromes, Hereditary. Identifiers: Orphanet 140162, MedGen C0027672, MeSH D009386, MONDO:0015356.
Familial cancer of breast. Also called: BREAST CANCER, FAMILIAL; hereditary breast carcinoma; Hereditary breast cancer. Identifiers: Orphanet 227535, MedGen C0346153, MONDO:0016419, OMIM 114480. Disease mechanism: loss of function.
Fanconi anemia complementation group J. Also called: BRIP1-Related Fanconi Anemia. Identifiers: Orphanet 84, MedGen C1836860, MONDO:0012187, OMIM 609054.

gnomAD v4.1: 1 of 1,614,086 alleles (0.000062%); highest among the groups gnomAD compares: Non-Finnish European, 0.000085%; no homozygotes.

Submissions (3):

Myriad Genetics, Inc.
Classification: Benign for Familial cancer of breast. Last evaluated: 2024-08-30. Review status: criteria provided, single submitter. Criteria: Myriad Autosomal Dominant, Autosomal Recessive and X-Linked Classification Criteria (2023). Collection method: clinical testing. Allele origin: unknown.
Comment: This variant is considered benign. This variant is a silent/synonymous amino acid change and it is not expected to impact splicing.

Labcorp Genetics (formerly Invitae), Labcorp
Classification: Likely benign for Familial cancer of breast; Fanconi anemia complementation group J. Last evaluated: 2023-09-05. Review status: criteria provided, single submitter. Criteria: Invitae Variant Classification Sherloc (09022015). Collection method: clinical testing. Allele origin: germline.

Ambry Genetics
Classification: Likely benign for Hereditary cancer-predisposing syndrome. Last evaluated: 2018-09-27. Review status: criteria provided, single submitter. Criteria: Ambry Variant Classification Scheme 2023. Collection method: clinical testing. Allele origin: germline.